The following is an entry in ClinVar:

NM_001161748.2(LIM2):c.-27C>T

Gene: LIM2 (lens intrinsic membrane protein 2; minus strand). Cytogenetic location: 19q13.41.
Variant type: single nucleotide variant.
Coding change: c.-27C>T on transcript NM_001161748.2 (MANE Select); 27 bases upstream of the start codon, C replaced by T.
Molecular consequence: 5 prime UTR variant.
Genome position (GRCh38, 1-based): chr19:51,387,939, G>A on the plus strand (C>T on the coding strand, the complement: LIM2 is on the minus strand). VCF-style: chr19-51387939-G-A. GRCh37 (hg19) VCF-style: chr19-51891193-G-A.
Other names: c.-27C>T (NM_030657.4).
Identifiers: ClinVar variation 329980 (VCV000329980.6), dbSNP rs113926789, ClinGen allele CA10649009.

ClinVar aggregate classification (germline): Likely benign. Review status: criteria provided, multiple submitters, no conflicts (2 of 4 stars). 2 submissions from 2 submitters: Likely benign (2). Last evaluated 2018-01-13.

Conditions:
Cataract 19 multiple types. Also called: CATARACT 19, CORTICAL PULVERULENT; CATARACT 19, CONGENITAL TOTAL. Identifiers: Orphanet 91492, MedGen C3809004, MONDO:0014111, OMIM 615277.

Allele frequency attached by ClinVar (database versions not stated): 1000 Genomes Project 0.02037; 1000 Genomes Project 30x 0.02233; gnomAD exomes 0.00189; TOPMed 0.02077.
gnomAD v4.1: 2,726 of 191,812 alleles (1.4%); highest among the groups gnomAD compares: African/African-American, 5.9%; 84 homozygotes.

Submissions (2):

Illumina Laboratory Services, Illumina
Classification: Likely benign for Cataract 19 multiple types. Last evaluated: 2018-01-13. Review status: criteria provided, single submitter. Criteria: ICSL Variant Classification Criteria 13 December 2019. Collection method: clinical testing. Allele origin: germline.
Comment: This variant was observed in the ICSL laboratory as part of a predisposition screen in an ostensibly healthy population. It had not been previously curated by ICSL or reported in the Human Gene Mutation Database (HGMD: prior to June 1st, 2018), and was therefore a candidate for classification through an automated scoring system. Utilizing variant allele frequency, disease prevalence and penetrance estimates, and inheritance mode, an automated score was calculated to assess if this variant is too frequent to cause the disease. Based on the score and internal cut-off values, a variant classified as likely benign is not then subjected to further curation. The score for this variant resulted in a classification of likely benign for this disease.

Breakthrough Genomics
Classification: Likely benign. Review status: criteria provided, single submitter. Criteria: ACMG Guidelines, 2015. Collection method: not provided. Allele origin: germline. Inheritance: Autosomal recessive inheritance. Affected: yes.